The following is an entry in ClinVar:

ClinVar aggregate classification (germline): Uncertain significance (1 of 4 stars; one submission).

Conditions:
Amyotrophic lateral sclerosis type 4 (ALS4). Also called: AMYOTROPHIC LATERAL SCLEROSIS 4, JUVENILE; NEURONOPATHY, DISTAL HEREDITARY MOTOR, WITH PYRAMIDAL FEATURES. Identifiers: Orphanet 357043, MedGen C1865409, MONDO:0011223, OMIM 602433.
Spinocerebellar ataxia, autosomal recessive, with axonal neuropathy 2 (SCAN2). Also called: Ataxia with Oculomotor Apraxia Type 2; Ataxia-ocular apraxia-2; ATAXIA-OCULOMOTOR APRAXIA 2; Ataxia with Oculomotor Apraxia. Identifiers: Orphanet 64753, MedGen C1853761, MONDO:0018996, OMIM 606002.

gnomAD v4.1: 2 of 1,609,880 alleles (0.00012%); highest among the groups gnomAD compares: Non-Finnish European, 0.00017%; no homozygotes.

Submission:

Labcorp Genetics (formerly Invitae), Labcorp
Classification: Uncertain significance for Amyotrophic lateral sclerosis type 4; Spinocerebellar ataxia, autosomal recessive, with axonal neuropathy 2. Last evaluated: 2021-11-14. Review status: criteria provided, single submitter. Criteria: Invitae Variant Classification Sherloc (09022015). Collection method: clinical testing. Allele origin: germline.
Comment: This variant has not been reported in the literature in individuals affected with SETX-related conditions. Advanced modeling of protein sequence and biophysical properties (such as structural, functional, and spatial information, amino acid conservation, physicochemical variation, residue mobility, and thermodynamic stability) performed at Invitae indicates that this missense variant is not expected to disrupt SETX protein function. In summary, the available evidence is currently insufficient to determine the role of this variant in disease. Therefore, it has been classified as a Variant of Uncertain Significance. This variant is not present in population databases (gnomAD no frequency). This sequence change replaces serine, which is neutral and polar, with arginine, which is basic and polar, at codon 846 of the SETX protein (p.Ser846Arg).

NM_015046.7(SETX):c.2536A>C (p.Ser846Arg)

Gene: SETX (senataxin; minus strand). Cytogenetic location: 9q34.13.
Variant type: single nucleotide variant.
Coding change: c.2536A>C on transcript NM_015046.7 (MANE Select); coding-DNA position 2536, A replaced by C.
Protein change: p.Ser846Arg; replaces serine 846 with arginine.
Molecular consequence: missense variant.
Genome position (GRCh38, 1-based): chr9:132,329,062, T>G on the plus strand (A>C on the coding strand, the complement: SETX is on the minus strand). VCF-style: chr9-132329062-T-G. GRCh37 (hg19) VCF-style: chr9-135204449-T-G.
Other names: c.2536A>C, p.Ser846Arg (NM_001351527.2, NM_001351528.2); short protein forms S846R.
Identifiers: ClinVar variation 1393291 (VCV001393291.6), dbSNP rs774820992, ClinGen allele CA375335536.